The following is an entry in ClinVar:

ClinVar aggregate classification (germline): Uncertain significance. Review status: criteria provided, multiple submitters, no conflicts (2 of 4 stars). 2 submissions from 2 submitters: Uncertain significance (2). Last evaluated 2024-12-16.

Conditions:
Epilepsy, familial adult myoclonic, 5 (EPEO5). Also called: CORTICAL MYOCLONIC TREMOR WITH EPILEPSY, FAMILIAL, 5. Identifiers: Orphanet 86814, MedGen C3809374, MONDO:0014167, OMIM 615400.

Allele frequency attached by ClinVar (database versions not stated): ExAC 0.00001; gnomAD 0.00001; gnomAD exomes 0.00002; TOPMed 0.00002.

Submissions (2):

Labcorp Genetics (formerly Invitae), Labcorp
Classification: Uncertain significance for Epilepsy, familial adult myoclonic, 5. Last evaluated: 2024-12-16. Review status: criteria provided, single submitter. Criteria: Invitae Variant Classification Sherloc (09022015). Collection method: clinical testing. Allele origin: germline.
Comment: This sequence change replaces glutamic acid, which is acidic and polar, with lysine, which is basic and polar, at codon 172 of the CNTN2 protein (p.Glu172Lys). This variant is present in population databases (rs763168456, gnomAD 0.003%). This variant has not been reported in the literature in individuals affected with CNTN2-related conditions. ClinVar contains an entry for this variant (Variation ID: 474485). Invitae Evidence Modeling of protein sequence and biophysical properties (such as structural, functional, and spatial information, amino acid conservation, physicochemical variation, residue mobility, and thermodynamic stability) indicates that this missense variant is not expected to disrupt CNTN2 protein function with a negative predictive value of 95%. In summary, the available evidence is currently insufficient to determine the role of this variant in disease. Therefore, it has been classified as a Variant of Uncertain Significance.

Ambry Genetics
Classification: Uncertain significance. Last evaluated: 2024-09-01. Review status: criteria provided, single submitter. Criteria: Ambry Variant Classification Scheme 2023. Collection method: clinical testing. Allele origin: germline.

NM_005076.5(CNTN2):c.514G>A (p.Glu172Lys)

Gene: CNTN2 (contactin 2; plus strand). Cytogenetic location: 1q32.1.
Variant type: single nucleotide variant.
Coding change: c.514G>A on transcript NM_005076.5 (MANE Select); coding-DNA position 514, G replaced by A.
Protein change: p.Glu172Lys; replaces glutamic acid 172 with lysine.
Molecular consequence: missense variant. On other transcripts: non-coding transcript variant (1).
Genome position (GRCh38, 1-based): chr1:205,059,110, G>A. VCF-style: chr1-205059110-G-A. GRCh37 (hg19) VCF-style: chr1-205028238-G-A.
Other names: c.514G>A, p.Glu172Lys (NM_001346083.2); short protein forms E172K.
Identifiers: ClinVar variation 474485 (VCV000474485.6), dbSNP rs763168456, ClinGen allele CA1351070.